The following is an entry in ClinVar:

ClinVar aggregate classification (germline): Uncertain significance (1 of 4 stars; one submission).

Submission:

GeneDx
Classification: Uncertain significance. Last evaluated: 2024-12-05. Review status: criteria provided, single submitter. Criteria: GeneDx Variant Classification Process June 2021. Collection method: clinical testing. Allele origin: germline. Affected: yes.
Comment: Not observed at significant frequency in large population cohorts (gnomAD); In silico analysis supports that this missense variant has a deleterious effect on protein structure/function; Has not been previously published as pathogenic or benign to our knowledge

NM_032436.4(CHAMP1):c.775C>G (p.Pro259Ala)

Gene: CHAMP1 (chromosome alignment maintaining phosphoprotein 1; plus strand). Cytogenetic location: 13q34.
Variant type: single nucleotide variant.
Coding change: c.775C>G on transcript NM_032436.4 (MANE Select); coding-DNA position 775, C replaced by G.
Protein change: p.Pro259Ala; replaces proline 259 with alanine.
Molecular consequence: missense variant.
Genome position (GRCh38, 1-based): chr13:114,324,617, C>G. VCF-style: chr13-114324617-C-G. GRCh37 (hg19) VCF-style: chr13-115090092-C-G.
Other names: c.775C>G, p.Pro259Ala (NM_001164144.3, NM_001164145.3); short protein forms P259A.
Identifiers: ClinVar variation 3901732 (VCV003901732.1).
Genomic context (GRCh38, chr13:114,324,617, plus strand): 5'-CCACCTTCAGCCTCATCTCCAGAGTCACCAGTTCTAGCTGCTTCCCCAGAACCTTGGGGA[C>G]CATCCCCAGCTGCATCTCCAGAATCTCGGAAGTCAGCCCGGACTACCTCCCCTGAGCCAA-3'
Protein context (NP_115812.1, residues 249-269): VLAASPEPWG[Pro259Ala]SPAASPESRK